The following is an entry in ClinVar:

ClinVar aggregate classification (germline): Uncertain significance (1 of 4 stars; one submission).

Allele frequency attached by ClinVar (database versions not stated): ExAC 0.00001; TOPMed 0.00002.
gnomAD v4.1: 14 of 1,611,924 alleles (0.00087%); highest among the groups gnomAD compares: East Asian, 0.02%; no homozygotes.

Submission:

Labcorp Genetics (formerly Invitae), Labcorp
Classification: Uncertain significance. Last evaluated: 2025-10-14. Review status: criteria provided, single submitter. Criteria: Invitae Variant Classification Sherloc (09022015). Collection method: clinical testing. Allele origin: germline.
Comment: This sequence change replaces arginine, which is basic and polar, with glutamine, which is neutral and polar, at codon 731 of the LRRC8A protein (p.Arg731Gln). This variant is present in population databases (rs751995060, gnomAD 0.03%). This variant has not been reported in the literature in individuals affected with LRRC8A-related conditions. ClinVar contains an entry for this variant (Variation ID: 2759811). An algorithm developed to predict the effect of missense changes on protein structure and function (PolyPhen-2) suggests that this variant is likely to be tolerated. In summary, the available evidence is currently insufficient to determine the role of this variant in disease. Therefore, it has been classified as a Variant of Uncertain Significance.

NM_019594.4(LRRC8A):c.2192G>A (p.Arg731Gln)

Gene: LRRC8A (leucine rich repeat containing 8 VRAC subunit A; plus strand). Cytogenetic location: 9q34.11.
Variant type: single nucleotide variant.
Coding change: c.2192G>A on transcript NM_019594.4 (MANE Select); coding-DNA position 2192, G replaced by A.
Protein change: p.Arg731Gln; replaces arginine 731 with glutamine.
Molecular consequence: missense variant.
Genome position (GRCh38, 1-based): chr9:128,916,130, G>A. VCF-style: chr9-128916130-G-A. GRCh37 (hg19) VCF-style: chr9-131678409-G-A.
Other names: c.2192G>A, p.Arg731Gln (NM_001127244.2, NM_001127245.2); short protein forms R731Q.
Identifiers: ClinVar variation 2759811 (VCV002759811.3), dbSNP rs751995060, ClinGen allele CA5271035.